The following is an entry in ClinVar:

ClinVar aggregate classification (germline): Uncertain significance (1 of 4 stars; one submission).

Submission:

GeneDx
Classification: Uncertain significance. Last evaluated: 2024-05-14. Review status: criteria provided, single submitter. Criteria: GeneDx Variant Classification Process June 2021. Collection method: clinical testing. Allele origin: germline. Affected: yes.
Comment: Not observed at significant frequency in large population cohorts (gnomAD); In silico analysis indicates that this missense variant does not alter protein structure/function; Has not been previously published as pathogenic or benign to our knowledge

NM_014425.5(INVS):c.744A>G (p.Ile248Met)

Gene: INVS (inversin; plus strand). Cytogenetic location: 9q31.1.
Variant type: single nucleotide variant.
Coding change: c.744A>G on transcript NM_014425.5 (MANE Select); coding-DNA position 744, A replaced by G.
Protein change: p.Ile248Met; replaces isoleucine 248 with methionine.
Molecular consequence: missense variant. On other transcripts: 5 prime UTR variant (1), non-coding transcript variant (1).
Genome position (GRCh38, 1-based): chr9:100,240,188, A>G. VCF-style: chr9-100240188-A-G. GRCh37 (hg19) VCF-style: chr9-103002470-A-G.
Other names: c.456A>G, p.Ile152Met (NM_001318381.2); c.-246A>G (NM_001318382.2); short protein forms I152M, I248M.
Identifiers: ClinVar variation 3378192 (VCV003378192.1).